The following is an entry in ClinVar:

ClinVar aggregate classification (germline): Uncertain significance (1 of 4 stars; one submission).

Submission:

Ambry Genetics
Classification: Uncertain significance. Last evaluated: 2021-07-31. Review status: criteria provided, single submitter. Criteria: Ambry Variant Classification Scheme 2023. Collection method: clinical testing. Allele origin: germline.
Comment: The p.H259Y variant (also known as c.775C>T), located in coding exon 6 of the NQO1 gene, results from a C to T substitution at nucleotide position 775. The histidine at codon 259 is replaced by tyrosine, an amino acid with similar properties. This amino acid position is conserved. In addition, this alteration is predicted to be tolerated by in silico analysis. Since supporting evidence is limited at this time, the clinical significance of this alteration remains unclear.

NM_000903.3(NQO1):c.775C>T (p.His259Tyr)

Gene: NQO1 (NAD(P)H quinone dehydrogenase 1; minus strand). Cytogenetic location: 16q22.1.
Variant type: single nucleotide variant.
Coding change: c.775C>T on transcript NM_000903.3 (MANE Select); coding-DNA position 775, C replaced by T.
Protein change: p.His259Tyr; replaces histidine 259 with tyrosine.
Molecular consequence: missense variant.
Genome position (GRCh38, 1-based): chr16:69,711,026, G>A on the plus strand (C>T on the coding strand, the complement: NQO1 is on the minus strand). VCF-style: chr16-69711026-G-A. GRCh37 (hg19) VCF-style: chr16-69744929-G-A.
Other names: c.673C>T, p.His225Tyr (NM_001025433.2); c.661C>T, p.His221Tyr (NM_001025434.2); c.559C>T, p.His187Tyr (NM_001286137.2); short protein forms H187Y, H259Y, H221Y, H225Y.
Identifiers: ClinVar variation 1760486 (VCV001760486.2), dbSNP rs2544317802, ClinGen allele CA396487395.